The following is an entry in ClinVar:

ClinVar aggregate classification (germline): Likely pathogenic. Review status: criteria provided, single submitter (1 of 4 stars). 2 submissions from 2 submitters: Likely pathogenic (1). 1 of the submissions does not count toward it. Last evaluated 2024-05-27.

Conditions:
Marfan syndrome (MFS). Also called: MARFAN SYNDROME, TYPE I; Marfan syndrome type 1; Marfan's syndrome; Marfan syndrome, classic; FBN1-Related Marfan Syndrome. Identifiers: Orphanet 284963, Orphanet 558, MedGen C0024796, MONDO:0007947, OMIM 154700.
Familial thoracic aortic aneurysm and aortic dissection (TAAD). Also called: Thoracic aortic aneurysms and dissections. Identifiers: Orphanet 91387, MedGen C4707243, MONDO:0019625.

Submissions (2):

Labcorp Genetics (formerly Invitae), Labcorp
Classification: Likely pathogenic for Marfan syndrome; Familial thoracic aortic aneurysm and aortic dissection. Last evaluated: 2024-05-27. Review status: criteria provided, single submitter. Criteria: Invitae Variant Classification Sherloc (09022015). Collection method: clinical testing. Allele origin: germline.
Comment: This sequence change affects a donor splice site in intron 9 of the FBN1 gene. It is expected to disrupt RNA splicing. Variants that disrupt the donor or acceptor splice site typically lead to a loss of protein function (PMID: 16199547), and loss-of-function variants in FBN1 are known to be pathogenic (PMID: 17657824, 19293843). This variant is not present in population databases (gnomAD no frequency). Disruption of this splice site has been observed in individual(s) with Marfan syndrome (Invitae). Algorithms developed to predict the effect of sequence changes on RNA splicing suggest that this variant may disrupt the consensus splice site. In summary, the currently available evidence indicates that the variant is pathogenic, but additional data are needed to prove that conclusively. Therefore, this variant has been classified as Likely Pathogenic.

Diagnostics Centre, Carl Von Ossietzky University Oldenburg
Classification: Likely pathogenic. Last evaluated: 2026-02-27. Review status: no assertion criteria provided. Collection method: clinical testing. Allele origin: germline. Affected: yes. Observed: 1 variant allele. Not counted in ClinVar's aggregate classification.

Literature cited by the submitters: PubMed 16199547 (cited by Labcorp Genetics (formerly Invitae), Labcorp); PubMed 17657824 (cited by Labcorp Genetics (formerly Invitae), Labcorp); PubMed 19293843 (cited by Labcorp Genetics (formerly Invitae), Labcorp).

NM_000138.5(FBN1):c.988+1G>A

Gene: FBN1 (fibrillin 1; minus strand). Cytogenetic location: 15q21.1.
Variant type: single nucleotide variant.
Coding change: c.988+1G>A on transcript NM_000138.5 (MANE Select); the canonical splice donor site of the intron after coding-DNA position 988, G replaced by A.
Molecular consequence: splice donor variant.
Genome position (GRCh38, 1-based): chr15:48,526,129, C>T on the plus strand (G>A on the coding strand, the complement: FBN1 is on the minus strand). VCF-style: chr15-48526129-C-T. GRCh37 (hg19) VCF-style: chr15-48818326-C-T.
Other names: c.988+1G>A (NM_001406716.1).
Identifiers: ClinVar variation 3756570 (VCV003756570.3).